The following is an entry in ClinVar:

ClinVar aggregate classification (germline): Uncertain significance. Review status: criteria provided, multiple submitters, no conflicts (2 of 4 stars). 2 submissions from 2 submitters: Uncertain significance (2). Last evaluated 2024-05-31.

Conditions:
Martsolf syndrome 2. Identifiers: MedGen C5543626, MONDO:0030376, OMIM 619420.
Warburg micro syndrome 1 (WARBM1). Identifiers: Orphanet 2510, MedGen C1838625, MONDO:0010822, OMIM 600118.

Allele frequency attached by ClinVar (database versions not stated): ExAC 0.00002; gnomAD exomes 0.00003; gnomAD 0.00004; TOPMed 0.00005.
gnomAD v4.1: 23 of 1,613,988 alleles (0.0014%); highest among the groups gnomAD compares: Admixed American, 0.027%; no homozygotes.

Submissions (2):

GeneDx
Classification: Uncertain significance. Last evaluated: 2024-05-31. Review status: criteria provided, single submitter. Criteria: GeneDx Variant Classification Process June 2021. Collection method: clinical testing. Allele origin: germline. Affected: yes.
Comment: Reported in the heterozygous state in a patient with Kallmann syndrome; however, this individual also harbors a hemizygous variant in the ANOS1 gene (PMID: 36268624); In silico analysis supports that this missense variant has a deleterious effect on protein structure/function; In silico analysis supports a deleterious effect on splicing; This variant is associated with the following publications: (PMID: 36268624)

Department of Pathology and Laboratory Medicine, Sinai Health System
Classification: Uncertain significance for Warburg micro syndrome 1; Martsolf syndrome 2. Last evaluated: 2023-02-08. Review status: criteria provided, single submitter. Criteria: ACMG Guidelines, 2015. Collection method: research. Allele origin: germline.

NM_012233.3(RAB3GAP1):c.2917G>A (p.Ala973Thr)

Gene: RAB3GAP1 (RAB3 GTPase activating protein catalytic subunit 1; plus strand). Cytogenetic location: 2q21.3.
Variant type: single nucleotide variant.
Coding change: c.2917G>A on transcript NM_012233.3 (MANE Select); coding-DNA position 2917, G replaced by A.
Protein change: p.Ala973Thr; replaces alanine 973 with threonine.
Molecular consequence: missense variant.
Genome position (GRCh38, 1-based): chr2:135,168,752, G>A. VCF-style: chr2-135168752-G-A. GRCh37 (hg19) VCF-style: chr2-135926322-G-A.
Other names: c.2938G>A, p.Ala980Thr (NM_001172435.2); short protein forms A973T, A980T.
Identifiers: ClinVar variation 1253981 (VCV001253981.4), dbSNP rs770189875, ClinGen allele CA1885223.